The following is an entry in ClinVar:

ClinVar aggregate classification (germline): Pathogenic (1 of 4 stars; one submission).

Conditions:
Glycogen storage disease, type II (IOPD). Also called: CARDIOMEGALIA GLYCOGENICA DIFFUSA; Glucosidase acid-1,4-alpha deficiency; Pompe Disease; ACID MALTASE DEFICIENCY, INFANTILE-ONSET; POMPE DISEASE, INFANTILE-ONSET; GLYCOGEN STORAGE DISEASE II, INFANTILE-ONSET. Identifiers: Orphanet 365, MedGen C0017921, MONDO:0009290, OMIM 232300.

Submission:

Labcorp Genetics (formerly Invitae), Labcorp
Classification: Pathogenic for Glycogen storage disease, type II. Last evaluated: 2021-11-24. Review status: criteria provided, single submitter. Criteria: Invitae Variant Classification Sherloc (09022015). Collection method: clinical testing. Allele origin: germline.
Comment: For these reasons, this variant has been classified as Pathogenic. This variant disrupts the p.Asp459 amino acid residue in GAA. Other variant(s) that disrupt this residue have been determined to be pathogenic (Invitae). This suggests that this residue is clinically significant, and that variants that disrupt this residue are likely to be disease-causing. Experimental studies and prediction algorithms are not available or were not evaluated, and the functional significance of this variant is currently unknown. A different variant (c.1375G>A) giving rise to the same protein effect has been determined to be pathogenic (PMID: 18458862, 21484825, 21757382). This suggests that this variant is also likely to be causative of disease. Information on the frequency of this variant in the gnomAD database is not available, as this variant may be reported differently in the database. This sequence change replaces aspartic acid, which is acidic and polar, with asparagine, which is neutral and polar, at codon 459 of the GAA protein (p.Asp459Asn).

Literature cited by the submitters: PubMed 18458862; PubMed 21484825; PubMed 21757382.

NM_000152.5(GAA):c.1374_1375delinsTA (p.Asp459Asn)

Gene: GAA (alpha glucosidase; plus strand). Cytogenetic location: 17q25.3.
Variant type: Indel.
Coding change: c.1374_1375delinsTA on transcript NM_000152.5 (MANE Select); coding-DNA positions 1374 to 1375, CG replaced by TA.
Protein change: p.Asp459Asn; replaces aspartic acid 459 with asparagine.
Molecular consequence: missense variant.
Genome position (GRCh38, 1-based): chr17:80,109,992-80,109,993, CG replaced by TA. VCF-style: chr17-80109992-CG-TA. GRCh37 (hg19) VCF-style: chr17-78083791-CG-TA.
Other names: c.1374_1375delinsTA, p.Asp459Asn (NM_001079803.3, NM_001079804.3); short protein forms D459N.
Identifiers: ClinVar variation 1459200 (VCV001459200.7), dbSNP rs2143866239, ClinGen allele CA2573154965.
Genomic context (GRCh38, chr17:80,109,992, plus strand): 5'-TCCCTCTTCCCAGGATCCTGCCATCAGCAGCTCGGGCCCTGCCGGGAGCTACAGGCCCTA[CG>TA]ACGAGGGTCTGCGGAGGGGGGTTTTCATCACCAACGAGACCGGCCAGCCGCTGATTGGGA-3'
Protein context (NP_000143.2, residues 449-469): SGPAGSYRPY[Asp459Asn]EGLRRGVFIT